The following is an entry in ClinVar:

NM_000444.6(PHEX):c.*48G>A

Genes: PTCHD1-AS (PTCHD1 and PHEX antisense RNA; minus strand), PHEX (phosphate regulating endopeptidase X-linked; plus strand). Cytogenetic location: Xp22.11.
Variant type: single nucleotide variant.
Coding change: c.*48G>A on transcript NM_000444.6 (MANE Select); 48 bases downstream of the stop codon, G replaced by A.
Molecular consequence: 3 prime UTR variant.
Genome position (GRCh38, 1-based): chrX:22,248,001, G>A. VCF-style: chrX-22248001-G-A. GRCh37 (hg19) VCF-style: chrX-22266118-G-A.
Other names: c.*133G>A (NM_001282754.2).
Identifiers: ClinVar variation 368172 (VCV000368172.6), dbSNP rs765479131, ClinGen allele CA10368477.

ClinVar aggregate classification (germline): Likely benign. Review status: criteria provided, multiple submitters, no conflicts (2 of 4 stars). 2 submissions from 2 submitters: Likely benign (2). Last evaluated 2018-01-12.

Conditions:
Familial X-linked hypophosphatemic vitamin D refractory rickets (XLHRD). Also called: X-Linked Hypophosphatemia; HYPOPHOSPHATEMIC VITAMIN D-RESISTANT RICKETS; Hypophosphatemic Rickets, X-Linked Dominant; Hypophosphatemia, vitamin D-resistant rickets; Vitamin D-resistant rickets, X-linked. Identifiers: Orphanet 89936, MedGen C0733682, MONDO:0010619, OMIM 307800.

Allele frequency attached by ClinVar (database versions not stated): gnomAD 0.00002 and 0.00004; gnomAD exomes 0.00002 and 0.00004; TOPMed 0.00005; ExAC 0.00006; 1000 Genomes Project 0.00053; 1000 Genomes Project 30x 0.00062.
gnomAD v4.1: 22 of 909,147 alleles (0.0024%); highest among the groups gnomAD compares: Admixed American, 0.013%; no homozygotes.

Submissions (2):

Illumina Laboratory Services, Illumina
Classification: Likely benign for Familial X-linked hypophosphatemic vitamin D refractory rickets. Last evaluated: 2018-01-12. Review status: criteria provided, single submitter. Criteria: ICSL Variant Classification Criteria 13 December 2019. Collection method: clinical testing. Allele origin: germline.
Comment: This variant was observed in the ICSL laboratory as part of a predisposition screen in an ostensibly healthy population. It had not been previously curated by ICSL or reported in the Human Gene Mutation Database (HGMD: prior to June 1st, 2018), and was therefore a candidate for classification through an automated scoring system. Utilizing variant allele frequency, disease prevalence and penetrance estimates, and inheritance mode, an automated score was calculated to assess if this variant is too frequent to cause the disease. Based on the score and internal cut-off values, a variant classified as likely benign is not then subjected to further curation. The score for this variant resulted in a classification of likely benign for this disease.

Breakthrough Genomics
Classification: Likely benign. Review status: criteria provided, single submitter. Criteria: ACMG Guidelines, 2015. Collection method: not provided. Allele origin: germline. Inheritance: X-linked inheritance. Affected: yes.